The following is an entry in ClinVar:

NM_182916.3(TRNT1):c.1056+1G>A

Gene: TRNT1 (tRNA nucleotidyl transferase 1; plus strand). Cytogenetic location: 3p26.2.
Variant type: single nucleotide variant.
Coding change: c.1056+1G>A on transcript NM_182916.3 (MANE Select); the canonical splice donor site of the intron after coding-DNA position 1056, G replaced by A.
Molecular consequence: splice donor variant.
Genome position (GRCh38, 1-based): chr3:3,147,704, G>A. VCF-style: chr3-3147704-G-A. GRCh37 (hg19) VCF-style: chr3-3189388-G-A.
Other names: c.1056+1G>A (NM_001367321.1, NM_001367323.1, NM_001367322.1); c.996+1G>A (NM_001302946.2).
Identifiers: ClinVar variation 654647 (VCV000654647.10), dbSNP rs369179242, ClinGen allele CA2228857.

ClinVar aggregate classification (germline): Pathogenic/Likely pathogenic. Review status: criteria provided, multiple submitters, no conflicts (2 of 4 stars). 2 submissions from 2 submitters: Pathogenic (1); Likely pathogenic (1). Last evaluated 2025-08-18.

Conditions:
Congenital sideroblastic anemia-B-cell immunodeficiency-periodic fever-developmental delay syndrome. Also called: Sideroblastic anemia with B-cell immunodeficiency, periodic fevers, and developmental delay. Identifiers: Orphanet 369861, MedGen C4015172, MONDO:0014487, OMIM 616084.

Allele frequency attached by ClinVar (database versions not stated): TOPMed 0.00001; ESP Exome Variant Server 0.00008.
gnomAD v4.1: 8 of 1,607,778 alleles (0.0005%); highest among the groups gnomAD compares: East Asian, 0.0022%; no homozygotes.

Submissions (2):

Labcorp Genetics (formerly Invitae), Labcorp
Classification: Pathogenic for Congenital sideroblastic anemia-B-cell immunodeficiency-periodic fever-developmental delay syndrome. Last evaluated: 2025-08-18. Review status: criteria provided, single submitter. Criteria: Invitae Variant Classification Sherloc (09022015). Collection method: clinical testing. Allele origin: germline.
Comment: This sequence change affects a donor splice site in intron 7 of the TRNT1 gene. While this variant is not anticipated to result in nonsense mediated decay, it likely alters RNA splicing and results in a disrupted protein product. This variant is present in population databases (rs369179242, gnomAD 0.002%). This variant has not been reported in the literature in individuals affected with TRNT1-related conditions. ClinVar contains an entry for this variant (Variation ID: 654647). Variants that disrupt the consensus splice site are a relatively common cause of aberrant splicing (PMID: 17576681, 9536098). Algorithms developed to predict the effect of sequence changes on RNA splicing suggest that this variant may disrupt the consensus splice site. This variant disrupts a region of the TRNT1 protein in which other variant(s) (p.Ser418Lysfs*9) have been determined to be pathogenic (PMID: 25193871, 26494905, 29358286). This suggests that this is a clinically significant region of the protein, and that variants that disrupt it are likely to be disease-causing. For these reasons, this variant has been classified as Pathogenic.

Juno Genomics, Hangzhou Juno Genomics, Inc
Classification: Likely pathogenic for Congenital sideroblastic anemia-B-cell immunodeficiency-periodic fever-developmental delay syndrome. Review status: criteria provided, single submitter. Criteria: ACMG Guidelines, 2015. Collection method: clinical testing. Allele origin: germline.
Comment: Absent from controls (or at extremely low frequency if recessive) in Genome Aggregation Database.;Null variant in a gene where loss of function (LOF) is a known mechanism of disease.;For recessive disorders, detected in trans with a pathogenic variant.;Patient's phenotype or family history is highly specific for a disease with a single genetic etiology.;Co-segregation with disease in multiple affected family members.

Literature cited by the submitters: PubMed 17576681 (cited by Labcorp Genetics (formerly Invitae), Labcorp); PubMed 9536098 (cited by Labcorp Genetics (formerly Invitae), Labcorp); PubMed 25193871 (cited by Labcorp Genetics (formerly Invitae), Labcorp); PubMed 26494905 (cited by Labcorp Genetics (formerly Invitae), Labcorp); PubMed 29358286 (cited by Labcorp Genetics (formerly Invitae), Labcorp).